The following is an entry in ClinVar:

NM_001065.4(TNFRSF1A):c.48G>A (p.Leu16=)

Gene: TNFRSF1A (TNF receptor superfamily member 1A; minus strand). Cytogenetic location: 12p13.31.
Variant type: single nucleotide variant.
Coding change: c.48G>A on transcript NM_001065.4 (MANE Select); coding-DNA position 48, G replaced by A.
Protein change: p.Leu16=; no amino-acid change (leucine 16 retained).
Molecular consequence: synonymous variant. On other transcripts: 5 prime UTR variant (1), non-coding transcript variant (1), intron variant (1).
Genome position (GRCh38, 1-based): chr12:6,334,236, C>T on the plus strand (G>A on the coding strand, the complement: TNFRSF1A is on the minus strand). VCF-style: chr12-6334236-C-T. GRCh37 (hg19) VCF-style: chr12-6443402-C-T.
Other names: c.-530G>A (NM_001346092.2); c.-131-371G>A (NM_001346091.2).
Identifiers: ClinVar variation 2124094 (VCV002124094.5), dbSNP rs2497801600, ClinGen allele CA478113269.

ClinVar aggregate classification (germline): Uncertain significance (1 of 4 stars; one submission).

Conditions:
TNF receptor-associated periodic fever syndrome (TRAPS) (FPF). Also called: FAMILIAL HIBERNIAN FEVER; TNF RECEPTOR-ASSOCIATED PERIODIC SYNDROME; TUMOR NECROSIS FACTOR RECEPTOR-ASSOCIATED PERIODIC SYNDROME; TNF receptor 1-associated periodic fever syndrome; Autosomal Dominant Familial Periodic Fever; TNF Receptor-Associated Periodic Fever Syndrome. Identifiers: Orphanet 32960, MedGen C1275126, MONDO:0007727, OMIM 142680.

Submissions (2):

Labcorp Genetics (formerly Invitae), Labcorp
Classification: Uncertain significance for TNF receptor-associated periodic fever syndrome (TRAPS). Last evaluated: 2024-02-26. Review status: criteria provided, single submitter. Criteria: Invitae Variant Classification Sherloc (09022015). Collection method: clinical testing. Allele origin: germline.
Comment: This sequence change affects codon 16 of the TNFRSF1A mRNA. It is a 'silent' change, meaning that it does not change the encoded amino acid sequence of the TNFRSF1A protein. This variant is not present in population databases (gnomAD no frequency). This variant has not been reported in the literature in individuals affected with TNFRSF1A-related conditions. ClinVar contains an entry for this variant (Variation ID: 2124094). Algorithms developed to predict the effect of sequence changes on RNA splicing suggest that this variant may disrupt the consensus splice site. In summary, the available evidence is currently insufficient to determine the role of this variant in disease. Therefore, it has been classified as a Variant of Uncertain Significance.

Dr. Peter K. Rogan Lab, Western University
No classification provided (evidence only). Condition: Melanoma. Review status: no classification provided. Collection method: in vitro. Allele origin: not applicable. Functional consequence: skipped exon, retained intron. Not counted in ClinVar's aggregate classification.